The following is an entry in ClinVar:

NM_019032.6(ADAMTSL4):c.2529_2541del (p.Trp845fs)

Gene: ADAMTSL4 (ADAMTS like 4; plus strand). Cytogenetic location: 1q21.2.
Variant type: Deletion.
Coding change: c.2529_2541del on transcript NM_019032.6 (MANE Select); coding-DNA positions 2529 to 2541, 13 bases deleted (TGCCTGGTTCCAC).
Protein change: p.Trp845fs; shifts the reading frame from tryptophan 845.
Molecular consequence: frameshift variant.
Genome position (GRCh38, 1-based): chr1:150,558,619-150,558,631, TGCCTGGTTCCAC deleted; deleting any 13 consecutive bases within chr1:150,558,617-150,558,631 gives the same sequence; the c. name uses the placement nearest the transcript's 3' end. VCF-style (leftmost placement, unchanged base first): chr1-150558616-TACTGCCTGGTTCC-T. GRCh37 (hg19) VCF-style: chr1-150531092-TACTGCCTGGTTCC-T.
Other names: c.2412_2424del, p.Trp806fs (NM_001288607.2); c.2598_2610del, p.Trp868fs (NM_001288608.2); c.2529_2541del, p.Trp845fs (NM_001378596.1, NM_025008.5); short protein forms W868fs, W806fs, W845fs.
Identifiers: ClinVar variation 3721605 (VCV003721605.2).

ClinVar aggregate classification (germline): Pathogenic (1 of 4 stars; one submission).

Submission:

Labcorp Genetics (formerly Invitae), Labcorp
Classification: Pathogenic. Last evaluated: 2024-09-26. Review status: criteria provided, single submitter. Criteria: Invitae Variant Classification Sherloc (09022015). Collection method: clinical testing. Allele origin: germline.
Comment: This sequence change creates a premature translational stop signal (p.Trp845Thrfs*99) in the ADAMTSL4 gene. It is expected to result in an absent or disrupted protein product. Loss-of-function variants in ADAMTSL4 are known to be pathogenic (PMID: 20564469, 28642162). This variant is not present in population databases (gnomAD no frequency). This variant has not been reported in the literature in individuals affected with ADAMTSL4-related conditions. For these reasons, this variant has been classified as Pathogenic.

Literature cited by the submitters: PubMed 20564469; PubMed 28642162.